The following is an entry in ClinVar:

ClinVar aggregate classification (germline): Uncertain significance. Review status: criteria provided, multiple submitters, no conflicts (2 of 4 stars). 2 submissions from 2 submitters: Uncertain significance (2). Last evaluated 2024-10-17.

Conditions:
COL5A2-related disorder. Also called: COL5A2-related condition.

Allele frequency attached by ClinVar (database versions not stated): TOPMed below 0.00001; ExAC 0.00001.
gnomAD v4.1: 1 of 1,613,832 alleles (0.000062%); highest among the groups gnomAD compares: Non-Finnish European, 0.000085%; no homozygotes.

Submissions (2):

PreventionGenetics, part of Exact Sciences
Classification: Uncertain significance for COL5A2-related condition. Last evaluated: 2024-10-17. Review status: criteria provided, single submitter. Criteria: ACMG Guidelines, 2015. Collection method: clinical testing. Allele origin: germline.
Comment: The COL5A2 c.3443C>T variant is predicted to result in the amino acid substitution p.Thr1148Ile. To our knowledge, this variant has not been reported in the literature. This variant is reported in 0.00088% of alleles in individuals of European (Non-Finnish) descent in gnomAD. At this time, the clinical significance of this variant is uncertain due to the absence of conclusive functional and genetic evidence.

GeneDx
Classification: Uncertain significance. Last evaluated: 2021-10-05. Review status: criteria provided, single submitter. Criteria: GeneDx Variant Classification Process June 2021. Collection method: clinical testing. Allele origin: germline. Affected: yes.
Comment: Not observed at significant frequency in large population cohorts (Lek et al., 2016); In silico analysis supports that this missense variant has a deleterious effect on protein structure/function; Has not been previously published as pathogenic or benign to our knowledge

NM_000393.5(COL5A2):c.3443C>T (p.Thr1148Ile)

Gene: COL5A2 (collagen type V alpha 2 chain; minus strand). Cytogenetic location: 2q32.2.
Variant type: single nucleotide variant.
Coding change: c.3443C>T on transcript NM_000393.5 (MANE Select); coding-DNA position 3443, C replaced by T.
Protein change: p.Thr1148Ile; replaces threonine 1148 with isoleucine.
Molecular consequence: missense variant.
Genome position (GRCh38, 1-based): chr2:189,043,179, G>A on the plus strand (C>T on the coding strand, the complement: COL5A2 is on the minus strand). VCF-style: chr2-189043179-G-A. GRCh37 (hg19) VCF-style: chr2-189907905-G-A.
Other names: p.T1148I:ACT>ATT; c.3443C>T (NM_000393.4); short protein forms T1148I.
Identifiers: ClinVar variation 213121 (VCV000213121.5), dbSNP rs762080305, ClinGen allele CA324898.
Genomic context (GRCh38, chr2:189,043,179, plus strand): 5'-AGGGCAGAATAATACTTAAAGGAATAACTTACAGGAGGGCCAGGAAGACCCTGAAGACCA[G>A]TAAAGCCTCTGTGGCCCTTCTGACCTCTGTCACCTCGGTCTCCATGATCACCTTTGTCAC-3'
Protein context (NP_000384.2, residues 1138-1158): DRGQKGHRGF[Thr1148Ile]GLQGLPGPPG